The following is an entry in ClinVar:

NM_001172509.2(SATB2):c.575C>T (p.Ala192Val)

Gene: SATB2 (SATB homeobox 2; minus strand). Cytogenetic location: 2q33.1.
Variant type: single nucleotide variant.
Coding change: c.575C>T on transcript NM_001172509.2 (MANE Select); coding-DNA position 575, C replaced by T.
Protein change: p.Ala192Val; replaces alanine 192 with valine.
Molecular consequence: missense variant.
Genome position (GRCh38, 1-based): chr2:199,380,386, G>A on the plus strand (C>T on the coding strand, the complement: SATB2 is on the minus strand). VCF-style: chr2-199380386-G-A. GRCh37 (hg19) VCF-style: chr2-200245109-G-A.
Other names: c.575C>T, p.Ala192Val (NM_001172517.1, NM_015265.4); short protein forms A192V.
Identifiers: ClinVar variation 1307894 (VCV001307894.3), dbSNP rs2105865837, ClinGen allele CA350388767.

ClinVar aggregate classification (germline): Uncertain significance (1 of 4 stars; one submission).

Submission:

GeneDx
Classification: Uncertain significance. Last evaluated: 2021-11-22. Review status: criteria provided, single submitter. Criteria: GeneDx Variant Classification Process June 2021. Collection method: clinical testing. Allele origin: germline. Affected: yes.
Comment: Not observed at significant frequency in large population cohorts (Lek et al., 2016); In silico analysis supports that this missense variant does not alter protein structure/function; Has not been previously published as pathogenic or benign to our knowledge